The following is an entry in ClinVar:

NM_031935.3(HMCN1):c.13605G>A (p.Trp4535Ter)

Gene: HMCN1 (hemicentin 1; plus strand). Cytogenetic location: 1q31.1.
Variant type: single nucleotide variant.
Coding change: c.13605G>A on transcript NM_031935.3 (MANE Select); coding-DNA position 13605, G replaced by A.
Protein change: p.Trp4535Ter; replaces tryptophan 4535 with a stop codon.
Molecular consequence: nonsense.
Genome position (GRCh38, 1-based): chr1:186,137,520, G>A. VCF-style: chr1-186137520-G-A. GRCh37 (hg19) VCF-style: chr1-186106652-G-A.
Other names: short protein forms W4535*.
Identifiers: ClinVar variation 3688979 (VCV003688979.2).

ClinVar aggregate classification (germline): Uncertain significance (1 of 4 stars; one submission).

Submission:

Labcorp Genetics (formerly Invitae), Labcorp
Classification: Uncertain significance. Last evaluated: 2025-01-20. Review status: criteria provided, single submitter. Criteria: Invitae Variant Classification Sherloc (09022015). Collection method: clinical testing. Allele origin: germline.
Comment: This sequence change creates a premature translational stop signal (p.Trp4535*) in the HMCN1 gene. It is expected to result in an absent or disrupted protein product. However, the current clinical and genetic evidence is not sufficient to establish whether loss-of-function variants in HMCN1 cause disease. This variant is not present in population databases (gnomAD no frequency). This variant has not been reported in the literature in individuals affected with HMCN1-related conditions. In summary, the available evidence is currently insufficient to determine the role of this variant in disease. Therefore, it has been classified as a Variant of Uncertain Significance.